The following is an entry in ClinVar:

ClinVar aggregate classification (germline): Uncertain significance (1 of 4 stars; one submission).

Conditions:
Severe combined immunodeficiency due to LCK deficiency. Also called: Immunodeficiency 22. Identifiers: Orphanet 280142, MedGen C4014233, MONDO:0014334, OMIM 615758.

Submission:

Labcorp Genetics (formerly Invitae), Labcorp
Classification: Uncertain significance for Severe combined immunodeficiency due to LCK deficiency. Last evaluated: 2022-02-18. Review status: criteria provided, single submitter. Criteria: Invitae Variant Classification Sherloc (09022015). Collection method: clinical testing. Allele origin: germline.
Comment: This sequence change replaces leucine, which is neutral and non-polar, with valine, which is neutral and non-polar, at codon 80 of the LCK protein (p.Leu80Val). This variant is not present in population databases (gnomAD no frequency). This variant has not been reported in the literature in individuals affected with LCK-related conditions. Algorithms developed to predict the effect of missense changes on protein structure and function are either unavailable or do not agree on the potential impact of this missense change (SIFT: "Deleterious"; PolyPhen-2: "Probably Damaging"; Align-GVGD: "Class C0"). In summary, the available evidence is currently insufficient to determine the role of this variant in disease. Therefore, it has been classified as a Variant of Uncertain Significance.

NM_005356.5(LCK):c.238C>G (p.Leu80Val)

Gene: LCK (LCK proto-oncogene, Src family tyrosine kinase; plus strand). Cytogenetic location: 1p35.2.
Variant type: single nucleotide variant.
Coding change: c.238C>G on transcript NM_005356.5 (MANE Select); coding-DNA position 238, C replaced by G.
Protein change: p.Leu80Val; replaces leucine 80 with valine.
Molecular consequence: missense variant.
Genome position (GRCh38, 1-based): chr1:32,275,043, C>G. VCF-style: chr1-32275043-C-G. GRCh37 (hg19) VCF-style: chr1-32740644-C-G.
Other names: c.238C>G, p.Leu80Val (NM_001042771.3, NM_001330468.2); short protein forms L80V.
Identifiers: ClinVar variation 2098881 (VCV002098881.4), dbSNP rs1640214129, ClinGen allele CA339636655.